The following is an entry in ClinVar:

NM_004360.5(CDH1):c.137T>C (p.Leu46Pro)

Gene: CDH1 (cadherin 1; plus strand). Cytogenetic location: 16q22.1.
Variant type: single nucleotide variant.
Coding change: c.137T>C on transcript NM_004360.5 (MANE Select); coding-DNA position 137, T replaced by C.
Protein change: p.Leu46Pro; replaces leucine 46 with proline.
Molecular consequence: missense variant. On other transcripts: 5 prime UTR variant (2).
Genome position (GRCh38, 1-based): chr16:68,738,385, T>C. VCF-style: chr16-68738385-T-C. GRCh37 (hg19) VCF-style: chr16-68772288-T-C.
Other names: c.137T>C, p.Leu46Pro (NM_001317184.2); c.-1479T>C (NM_001317185.2); c.-1683T>C (NM_001317186.2); c.137T>C (LRG_301t1); short protein forms L46P.
Identifiers: ClinVar variation 483275 (VCV000483275.6), dbSNP rs1555509778, ClinGen allele CA396452212.

ClinVar aggregate classification (germline): Uncertain significance. Review status: criteria provided, multiple submitters, no conflicts (2 of 4 stars). 2 submissions from 2 submitters: Uncertain significance (2). Last evaluated 2023-12-26.

Conditions:
Familial cancer of breast. Also called: BREAST CANCER, FAMILIAL; Hereditary breast cancer; hereditary breast carcinoma. Identifiers: Orphanet 227535, MedGen C0346153, MONDO:0016419, OMIM 114480. Disease mechanism: loss of function.
Hereditary cancer-predisposing syndrome. Also called: Neoplastic Syndromes, Hereditary; Tumor predisposition; Hereditary Cancer Syndrome; Hereditary neoplastic syndrome. Identifiers: Orphanet 140162, MedGen C0027672, MeSH D009386, MONDO:0015356.

Submissions (2):

Baylor Genetics
Classification: Uncertain significance for Familial cancer of breast. Last evaluated: 2023-12-26. Review status: criteria provided, single submitter. Criteria: ACMG Guidelines, 2015. Collection method: clinical testing. Allele origin: unknown.

Ambry Genetics
Classification: Uncertain significance for Hereditary cancer-predisposing syndrome. Last evaluated: 2017-09-14. Review status: criteria provided, single submitter. Criteria: Ambry Variant Classification Scheme 2023. Collection method: clinical testing. Allele origin: germline.
Comment: The p.L46P variant (also known as c.137T>C), located in coding exon 2 of the CDH1 gene, results from a T to C substitution at nucleotide position 137. The leucine at codon 46 is replaced by proline, an amino acid with similar properties. This amino acid position is highly conserved in available vertebrate species. In addition, the in silico prediction for this alteration is inconclusive. Since supporting evidence is limited at this time, the clinical significance of this alteration remains unclear.